The following is an entry in ClinVar:

ClinVar aggregate classification (germline): Likely benign (1 of 4 stars; one submission).

gnomAD v4.1: 11 of 200,062 alleles (0.0055%); highest among the groups gnomAD compares: South Asian, 0.094%; no homozygotes.

Submission:

CeGaT Center for Human Genetics Tuebingen
Classification: Likely benign. Last evaluated: 2022-11-01. Review status: criteria provided, single submitter. Criteria: CeGaT Center For Human Genetics Tuebingen Variant Classification Criteria Version 2. Collection method: clinical testing. Allele origin: germline. Affected: yes. Observed: 1 variant allele.
Comment: TCF4: BS1

NM_001083962.2(TCF4):c.*266C>G

Gene: TCF4 (transcription factor 4; minus strand). Cytogenetic location: 18q21.2.
Variant type: single nucleotide variant.
Coding change: c.*266C>G on transcript NM_001083962.2 (MANE Select); 266 bases downstream of the stop codon, C replaced by G.
Molecular consequence: 3 prime UTR variant.
Genome position (GRCh38, 1-based): chr18:55,227,769, G>C on the plus strand (C>G on the coding strand, the complement: TCF4 is on the minus strand). VCF-style: chr18-55227769-G-C. GRCh37 (hg19) VCF-style: chr18-52895000-G-C.
Other names: c.*266C>G (NM_001243226.3, NM_001243227.2, NM_001243228.2 and 42 more transcripts).
Identifiers: ClinVar variation 2648733 (VCV002648733.24), dbSNP rs1171200199, ClinGen allele CA630017763.